The following is an entry in ClinVar:

ClinVar aggregate classification (germline): Uncertain significance. Review status: criteria provided, multiple submitters, no conflicts (2 of 4 stars). 2 submissions from 2 submitters: Uncertain significance (2). Last evaluated 2025-11-20.

Conditions:
Cardiovascular phenotype. Identifiers: MedGen CN230736.
X-linked myopathy with postural muscle atrophy. Also called: FHL1-Related Emery-Dreifuss Muscular Dystrophy, X-Linked. Identifiers: Orphanet 178461, MedGen C2678055, MONDO:0010401, OMIM 300696.

Allele frequency attached by ClinVar (database versions not stated): TOPMed below 0.00001; gnomAD 0.00001.

Submissions (2):

Labcorp Genetics (formerly Invitae), Labcorp
Classification: Uncertain significance for X-linked myopathy with postural muscle atrophy. Last evaluated: 2025-11-20. Review status: criteria provided, single submitter. Criteria: Invitae Variant Classification Sherloc (09022015). Collection method: clinical testing. Allele origin: germline.
Comment: This sequence change replaces lysine, which is basic and polar, with glutamic acid, which is acidic and polar, at codon 34 of the FHL1 protein (p.Lys34Glu). This variant is not present in population databases (gnomAD no frequency). This variant has not been reported in the literature in individuals affected with FHL1-related conditions. ClinVar contains an entry for this variant (Variation ID: 636920). An algorithm developed to predict the effect of missense changes on protein structure and function (PolyPhen-2) suggests that this variant is likely to be tolerated. In summary, the available evidence is currently insufficient to determine the role of this variant in disease. Therefore, it has been classified as a Variant of Uncertain Significance.

Ambry Genetics
Classification: Uncertain significance for Cardiovascular phenotype. Last evaluated: 2025-04-05. Review status: criteria provided, single submitter. Criteria: Ambry Variant Classification Scheme 2023. Collection method: clinical testing. Allele origin: germline.
Comment: The p.K34E variant (also known as c.100A>G), located in coding exon 1 of the FHL1 gene, results from an A to G substitution at nucleotide position 100. The lysine at codon 34 is replaced by glutamic acid, an amino acid with similar properties. This amino acid position is conserved. In addition, the in silico prediction for this alteration is inconclusive. Based on the available evidence, the clinical significance of this variant remains unclear.

NM_001159699.2(FHL1):c.148A>G (p.Lys50Glu)

Gene: FHL1 (four and a half LIM domains 1; plus strand). Cytogenetic location: Xq26.3.
Variant type: single nucleotide variant.
Coding change: c.148A>G on transcript NM_001159699.2 (MANE Select); coding-DNA position 148, A replaced by G.
Protein change: p.Lys50Glu; replaces lysine 50 with glutamic acid.
Molecular consequence: missense variant. On other transcripts: non-coding transcript variant (1).
Genome position (GRCh38, 1-based): chrX:136,206,532, A>G. VCF-style: chrX-136206532-A-G. GRCh37 (hg19) VCF-style: chrX-135288691-A-G.
Other names: c.100A>G (NM_001449.4); c.187A>G, p.Lys63Glu (NM_001159701.2); c.100A>G, p.Lys34Glu (NM_001159702.3, NM_001159703.2, NM_001159704.1 and 9 more transcripts); c.148A>G, p.Lys50Glu (NM_001330659.2); short protein forms K34E, K50E, K63E.
Identifiers: ClinVar variation 636920 (VCV000636920.5), dbSNP rs754421860, ClinGen allele CA414607736.
Genomic context (GRCh38, chrX:136,206,532, plus strand): 5'-TTGCAGGGGAAGAAGTATGTGCAAAAGGATGGCCACCACTGCTGCCTGAAATGCTTTGAC[A>G]AGTTCTGTGCCAACACCTGTGTGGAATGCCGCAAGCCCATCGGTGCGGACTCCAAGGTAA-3'
Protein context (NP_001153171.1, residues 40-60): GHHCCLKCFD[Lys50Glu]FCANTCVECR